The following is an entry in ClinVar:

NM_024422.6(DSC2):c.1678A>G (p.Thr560Ala)

Gene: DSC2 (desmocollin 2; minus strand). Cytogenetic location: 18q12.1.
Variant type: single nucleotide variant.
Coding change: c.1678A>G on transcript NM_024422.6 (MANE Select); coding-DNA position 1678, A replaced by G.
Protein change: p.Thr560Ala; replaces threonine 560 with alanine.
Molecular consequence: missense variant.
Genome position (GRCh38, 1-based): chr18:31,074,893, T>C on the plus strand (A>G on the coding strand, the complement: DSC2 is on the minus strand). VCF-style: chr18-31074893-T-C. GRCh37 (hg19) VCF-style: chr18-28654859-T-C.
Other names: c.1678A>G (NM_024422.3); c.1678A>G, p.Thr560Ala (NM_004949.5); short protein forms T560A.
Identifiers: ClinVar variation 1404176 (VCV001404176.7), dbSNP rs1314129882, ClinGen allele CA402114466.
Genomic context (GRCh38, chr18:31,074,893, plus strand): 5'-TTTTAGGTATGAATGGGCTGTTATCATTCACGTCTTGAAGTATAATGCCCAGTGTCCCCG[T>C]ACATGTTCTCCCTCCTAGAAAAATGAAAATAAAAATAGTTTTTCTATGTTTTGAGTTTTC-3'
Protein context (NP_077740.1, residues 550-570): LASDQGGRTC[Thr560Ala]GTLGIILQDV

ClinVar aggregate classification (germline): Uncertain significance. Review status: criteria provided, multiple submitters, no conflicts (2 of 4 stars). 2 submissions from 2 submitters: Uncertain significance (2). Last evaluated 2024-01-08.

Conditions:
Arrhythmogenic right ventricular dysplasia 11. Also called: Arrhythmogenic right ventricular dysplasia 11 with mild palmoplantar keratoderma and woolly hair; Arrhythmogenic Right Ventricular Dysplasia/Cardiomyopathy11; ARRHYTHMOGENIC RIGHT VENTRICULAR DYSPLASIA, FAMILIAL, 11. Identifiers: MedGen C1864850, MONDO:0012506, OMIM 610476.

Allele frequency attached by ClinVar (database versions not stated): TOPMed below 0.00001; gnomAD 0.00001; gnomAD exomes 0.00001.
gnomAD v4.1: 7 of 1,613,662 alleles (0.00043%); highest among the groups gnomAD compares: African/African-American, 0.0027%; no homozygotes.

Submissions (2):

GeneDx
Classification: Uncertain significance. Last evaluated: 2024-01-08. Review status: criteria provided, single submitter. Criteria: GeneDx Variant Classification Process June 2021. Collection method: clinical testing. Allele origin: germline. Affected: yes.
Comment: Has not been previously published as pathogenic or benign to our knowledge; Not observed at significant frequency in large population cohorts (gnomAD); In silico analysis supports that this missense variant has a deleterious effect on protein structure/function; This variant is associated with the following publications: (PMID: 30942563)

Labcorp Genetics (formerly Invitae), Labcorp
Classification: Uncertain significance for Arrhythmogenic right ventricular dysplasia 11. Last evaluated: 2023-10-08. Review status: criteria provided, single submitter. Criteria: Invitae Variant Classification Sherloc (09022015). Collection method: clinical testing. Allele origin: germline.
Comment: This sequence change replaces threonine, which is neutral and polar, with alanine, which is neutral and non-polar, at codon 560 of the DSC2 protein (p.Thr560Ala). This variant is present in population databases (no rsID available, gnomAD 0.003%). This variant has not been reported in the literature in individuals affected with DSC2-related conditions. ClinVar contains an entry for this variant (Variation ID: 1404176). Advanced modeling of protein sequence and biophysical properties (such as structural, functional, and spatial information, amino acid conservation, physicochemical variation, residue mobility, and thermodynamic stability) performed at Invitae indicates that this missense variant is expected to disrupt DSC2 protein function. In summary, the available evidence is currently insufficient to determine the role of this variant in disease. Therefore, it has been classified as a Variant of Uncertain Significance.